The following is an entry in ClinVar:

NM_020693.4(DSCAML1):c.4834G>A (p.Val1612Ile)

Gene: DSCAML1 (DS cell adhesion molecule like 1; minus strand). Cytogenetic location: 11q23.3.
Variant type: single nucleotide variant.
Coding change: c.4834G>A on transcript NM_020693.4 (MANE Select); coding-DNA position 4834, G replaced by A.
Protein change: p.Val1612Ile; replaces valine 1612 with isoleucine.
Molecular consequence: missense variant.
Genome position (GRCh38, 1-based): chr11:117,435,686, C>T on the plus strand (G>A on the coding strand, the complement: DSCAML1 is on the minus strand). VCF-style: chr11-117435686-C-T. GRCh37 (hg19) VCF-style: chr11-117306402-C-T.
Other names: short protein forms V1612I.
Identifiers: ClinVar variation 1906581 (VCV001906581.5), dbSNP rs775841095, ClinGen allele CA6296255.

ClinVar aggregate classification (germline): Uncertain significance (1 of 4 stars; one submission).

Allele frequency attached by ClinVar (database versions not stated): gnomAD exomes 0.00001; TOPMed 0.00001; ExAC 0.00002.

Submission:

Labcorp Genetics (formerly Invitae), Labcorp
Classification: Uncertain significance. Last evaluated: 2022-02-28. Review status: criteria provided, single submitter. Criteria: Invitae Variant Classification Sherloc (09022015). Collection method: clinical testing. Allele origin: germline.
Comment: In summary, the available evidence is currently insufficient to determine the role of this variant in disease. Therefore, it has been classified as a Variant of Uncertain Significance. Algorithms developed to predict the effect of missense changes on protein structure and function output the following: SIFT: "Tolerated"; PolyPhen-2: "Benign"; Align-GVGD: "Class C0". The isoleucine amino acid residue is found in multiple mammalian species, which suggests that this missense change does not adversely affect protein function. This variant has not been reported in the literature in individuals affected with DSCAML1-related conditions. This variant is present in population databases (rs775841095, gnomAD 0.007%). This sequence change replaces valine, which is neutral and non-polar, with isoleucine, which is neutral and non-polar, at codon 1672 of the DSCAML1 protein (p.Val1672Ile).